The following is an entry in ClinVar:

ClinVar aggregate classification (germline): Uncertain significance (1 of 4 stars; one submission).

Conditions:
Hereditary cancer-predisposing syndrome. Also called: Neoplastic Syndromes, Hereditary; Tumor predisposition; Hereditary neoplastic syndrome; Hereditary Cancer Syndrome. Identifiers: Orphanet 140162, MedGen C0027672, MeSH D009386, MONDO:0015356.

Allele frequency attached by ClinVar (database versions not stated): gnomAD exomes below 0.00001.
gnomAD v4.1: 1 of 1,614,054 alleles (0.000062%); highest among the groups gnomAD compares: Non-Finnish European, 0.000085%; no homozygotes.

Submission:

Ambry Genetics
Classification: Uncertain significance for Hereditary cancer-predisposing syndrome. Last evaluated: 2023-10-03. Review status: criteria provided, single submitter. Criteria: Ambry Variant Classification Scheme 2023. Collection method: clinical testing. Allele origin: germline.
Comment: The p.D358G variant (also known as c.1073A>G) is located in coding exon 11 of the FANCC gene. The aspartic acid at codon 358 is replaced by glycine, an amino acid with similar properties. This change occurs in the first base pair of coding exon 11. This amino acid position is not well conserved in available vertebrate species. In addition, this alteration is predicted to be tolerated by in silico analysis. Since supporting evidence is limited at this time, the clinical significance of this alteration remains unclear.

NM_000136.3(FANCC):c.1073A>G (p.Asp358Gly)

Genes: AOPEP (aminopeptidase O (putative); plus strand), FANCC (FA complementation group C; minus strand). Cytogenetic location: 9q22.32.
Variant type: single nucleotide variant.
Coding change: c.1073A>G on transcript NM_000136.3 (MANE Select); coding-DNA position 1073, A replaced by G.
Protein change: p.Asp358Gly; replaces aspartic acid 358 with glycine.
Molecular consequence: missense variant.
Genome position (GRCh38, 1-based): chr9:95,114,710, T>C on the plus strand (A>G on the coding strand, the complement: FANCC is on the minus strand). VCF-style: chr9-95114710-T-C. GRCh37 (hg19) VCF-style: chr9-97876992-T-C.
Other names: c.1073A>G, p.Asp358Gly (NM_001243743.2, NM_001243744.2); short protein forms D358G.
Identifiers: ClinVar variation 3230354 (VCV003230354.1), dbSNP rs1269587960, ClinGen allele CA374108073.